The following is an entry in ClinVar:

NM_000094.4(COL7A1):c.6173G>A (p.Gly2058Glu)

Gene: COL7A1 (collagen type VII alpha 1 chain; minus strand). Cytogenetic location: 3p21.31.
Variant type: single nucleotide variant.
Coding change: c.6173G>A on transcript NM_000094.4 (MANE Select); coding-DNA position 6173, G replaced by A.
Protein change: p.Gly2058Glu; replaces glycine 2058 with glutamic acid.
Molecular consequence: missense variant.
Genome position (GRCh38, 1-based): chr3:48,575,346, C>T on the plus strand (G>A on the coding strand, the complement: COL7A1 is on the minus strand). VCF-style: chr3-48575346-C-T. GRCh37 (hg19) VCF-style: chr3-48612779-C-T.
Other names: short protein forms G2058E.
Identifiers: ClinVar variation 2734510 (VCV002734510.3), dbSNP rs2530970163, ClinGen allele CA352662851.

ClinVar aggregate classification (germline): Likely pathogenic (1 of 4 stars; one submission).

Submission:

Labcorp Genetics (formerly Invitae), Labcorp
Classification: Likely pathogenic. Last evaluated: 2023-11-10. Review status: criteria provided, single submitter. Criteria: Invitae Variant Classification Sherloc (09022015). Collection method: clinical testing. Allele origin: germline.
Comment: This sequence change replaces glycine, which is neutral and non-polar, with glutamic acid, which is acidic and polar, at codon 2058 of the COL7A1 protein (p.Gly2058Glu). This variant is not present in population databases (gnomAD no frequency). This missense change has been observed in individual(s) with autosomal dominant COL7A1-related conditions (PMID: 19269793; Invitae). This variant is also known as p.Gly2059Glu. Advanced modeling of protein sequence and biophysical properties (such as structural, functional, and spatial information, amino acid conservation, physicochemical variation, residue mobility, and thermodynamic stability) performed at Invitae indicates that this missense variant is expected to disrupt COL7A1 protein function with a positive predictive value of 95%. This variant disrupts the triple helix domain of COL7A1. Glycine residues within the Gly-Xaa-Yaa repeats of the triple helix domain are required for the structure and stability of fibrillar collagens (PMID: 7695699, 8218237, 19344236), and variants at these glycine residues in COL7A1 are more frequently observed in individuals with disease than in the general population (PMID: 22058051). However, the clinical significance of this observation remains uncertain since only a limited number of affected individuals have been described to date. In summary, the currently available evidence indicates that the variant is pathogenic, but additional data are needed to prove that conclusively. Therefore, this variant has been classified as Likely Pathogenic.

Literature cited by the submitters: PubMed 19269793; PubMed 7695699; PubMed 8218237; PubMed 19344236; PubMed 22058051.